The following is an entry in ClinVar:

NM_002907.4(RECQL):c.1878G>C (p.Lys626Asn)

Genes: PYROXD1 (pyridine nucleotide-disulphide oxidoreductase domain 1; plus strand), RECQL (RecQ like helicase; minus strand). Cytogenetic location: 12p12.1.
Variant type: single nucleotide variant.
Coding change: c.1878G>C on transcript NM_002907.4 (MANE Select); coding-DNA position 1878, G replaced by C.
Protein change: p.Lys626Asn; replaces lysine 626 with asparagine.
Molecular consequence: missense variant. On other transcripts: 3 prime UTR variant (3).
Genome position (GRCh38, 1-based): chr12:21,470,266, C>G on the plus strand (G>C on the coding strand, the complement: RECQL is on the minus strand). VCF-style: chr12-21470266-C-G. GRCh37 (hg19) VCF-style: chr12-21623200-C-G.
Other names: c.1878G>C, p.Lys626Asn (NM_032941.3); c.*1512C>G (NM_001350912.2, NM_001350913.2, NM_024854.5); short protein forms K626N.
Identifiers: ClinVar variation 4842797 (VCV004842797.1).
Genomic context (GRCh38, chr12:21,470,266, plus strand): 5'-GATTTTTCTTTTCTTAGCTCCTGTATTCTTAGAACCAGATTGCTGAAGCATGTTTGCAGC[C>G]TTCTTCTGGAAGTTGCCTGAATTTTTTTCCTCCATCTTTTTATCACCTTGTTCAGAATGA-3'
Protein context (NP_002898.2, residues 616-636): EEKNSGNFQK[Lys626Asn]AANMLQQSGS

ClinVar aggregate classification (germline): Uncertain significance (1 of 4 stars; one submission).

Submission:

Ambry Genetics
Classification: Uncertain significance. Last evaluated: 2026-01-03. Review status: criteria provided, single submitter. Criteria: Ambry Variant Classification Scheme 2023. Collection method: clinical testing. Allele origin: germline.
Comment: The p.K626N variant (also known as c.1878G>C), located in coding exon 14 of the RECQL gene, results from a G to C substitution at nucleotide position 1878. The lysine at codon 626 is replaced by asparagine, an amino acid with similar properties. This amino acid position is conserved. In addition, this alteration is predicted to be tolerated by in silico analysis. Based on the available evidence, the clinical significance of this variant remains unclear.